The following is an entry in ClinVar:

ClinVar aggregate classification (germline): Uncertain significance (1 of 4 stars; one submission).

Conditions:
Vitamin B2 deficiency. Identifiers: MedGen C0035528.

Submission:

Labcorp Genetics (formerly Invitae), Labcorp
Classification: Uncertain significance for Vitamin B2 deficiency. Last evaluated: 2019-03-15. Review status: criteria provided, single submitter. Criteria: Invitae Variant Classification Sherloc (09022015). Collection method: clinical testing. Allele origin: germline.
Comment: In summary, the available evidence is currently insufficient to determine the role of this variant in disease. Therefore, it has been classified as a Variant of Uncertain Significance. Algorithms developed to predict the effect of missense changes on protein structure and function are either unavailable or do not agree on the potential impact of this missense change (SIFT: "Tolerated"; PolyPhen-2: "Probably Damaging"; Align-GVGD: "Class C15"). This variant has not been reported in the literature in individuals with SLC52A1-related conditions. This variant is present in population databases (rs200539588, ExAC 0.003%). This sequence change replaces cysteine with tyrosine at codon 446 of the SLC52A1 protein (p.Cys446Tyr). The cysteine residue is highly conserved and there is a large physicochemical difference between cysteine and tyrosine.

NM_017986.4(SLC52A1):c.1337G>A (p.Cys446Tyr)

Gene: SLC52A1 (solute carrier family 52 member 1; minus strand). Cytogenetic location: 17p13.2.
Variant type: single nucleotide variant.
Coding change: c.1337G>A on transcript NM_017986.4 (MANE Select); coding-DNA position 1337, G replaced by A.
Protein change: p.Cys446Tyr; replaces cysteine 446 with tyrosine.
Molecular consequence: missense variant.
Genome position (GRCh38, 1-based): chr17:5,032,967, C>T on the plus strand (G>A on the coding strand, the complement: SLC52A1 is on the minus strand). VCF-style: chr17-5032967-C-T. GRCh37 (hg19) VCF-style: chr17-4936262-C-T.
Other names: c.1337G>A, p.Cys446Tyr (NM_001104577.2); short protein forms C446Y.
Identifiers: ClinVar variation 864587 (VCV000864587.11), dbSNP rs200539588, ClinGen allele CA8319566.